The following is an entry in ClinVar:

ClinVar aggregate classification (germline): Uncertain significance (1 of 4 stars; one submission).

Conditions:
Long QT syndrome (LQTS). Identifiers: MedGen C0023976, MeSH D008133, MONDO:0002442. Disease mechanism: loss of function. Inheritance: Various modes of inheritance.

Allele frequency attached by ClinVar (database versions not stated): gnomAD exomes below 0.00001.
gnomAD v4.1: 1 of 1,614,030 alleles (0.000062%); highest among the groups gnomAD compares: Non-Finnish European, 0.000085%; no homozygotes.

Submission:

Labcorp Genetics (formerly Invitae), Labcorp
Classification: Uncertain significance for Long QT syndrome. Last evaluated: 2023-04-17. Review status: criteria provided, single submitter. Criteria: Invitae Variant Classification Sherloc (09022015). Collection method: clinical testing. Allele origin: germline.
Comment: In summary, the available evidence is currently insufficient to determine the role of this variant in disease. Therefore, it has been classified as a Variant of Uncertain Significance. An algorithm developed to predict the effect of missense changes on protein structure and function (PolyPhen-2) suggests that this variant is likely to be disruptive. This variant has not been reported in the literature in individuals affected with ANK2-related conditions. This variant is not present in population databases (gnomAD no frequency). This sequence change replaces serine, which is neutral and polar, with alanine, which is neutral and non-polar, at codon 3503 of the ANK2 protein (p.Ser3503Ala).

NM_001148.6(ANK2):c.10507T>G (p.Ser3503Ala)

Gene: ANK2 (ankyrin 2; plus strand). Cytogenetic location: 4q26.
Variant type: single nucleotide variant.
Coding change: c.10507T>G on transcript NM_001148.6 (MANE Select); coding-DNA position 10507, T replaced by G.
Protein change: p.Ser3503Ala; replaces serine 3503 with alanine.
Molecular consequence: missense variant. On other transcripts: intron variant (68).
Genome position (GRCh38, 1-based): chr4:113,359,125, T>G. VCF-style: chr4-113359125-T-G. GRCh37 (hg19) VCF-style: chr4-114280281-T-G.
Other names: c.4214-1698T>G (NM_001354269.3); c.4292-1698T>G (NM_001386187.2); c.4253-1698T>G (NM_001386147.1); c.4271-1698T>G (NM_001386160.1); c.4376-1698T>G (NM_001354254.2); c.4397-1698T>G (NM_001354239.2, NM_001354252.2); c.4298-1698T>G (NM_001354272.2); c.4361-1698T>G (NM_001354244.2, NM_001354256.2, NM_001386161.1); and 35 more; short protein forms S3550A, S3542A, S3425A, S3503A, S2303A.
Identifiers: ClinVar variation 2846693 (VCV002846693.3), dbSNP rs2506054818, ClinGen allele CA357940575.
Genomic context (GRCh38, chr4:113,359,125, plus strand): 5'-GATGAGGCTTCCAAATTAGTGGATAGGCTGACACAGTCAGAGAGGGAGCAGGAAATAGTT[T>G]CAGACGATGAAAGTAGTAGTGCCCTGGAAGTATCAGTAATTGAAAATCTGCCACCTGTTG-3'
Protein context (NP_001139.3, residues 3493-3513): TQSEREQEIV[Ser3503Ala]DDESSSALEV